The following is an entry in ClinVar:

ClinVar aggregate classification (germline): Uncertain significance (1 of 4 stars; one submission).

Conditions:
Microcephaly, normal intelligence and immunodeficiency (NBS). Also called: BERLIN BREAKAGE SYNDROME; Ataxia telangiectasia variant V1; Immunodeficiency, microcephaly with normal intelligence; IMMUNODEFICIENCY, MICROCEPHALY, AND CHROMOSOMAL INSTABILITY; SEEMANOVA SYNDROME II; Nijmegen breakage syndrome. Identifiers: Orphanet 647, MedGen C0398791, MONDO:0009623, OMIM 251260.

gnomAD v4.1: 1 of 1,614,112 alleles (0.000062%); highest among the groups gnomAD compares: Non-Finnish European, 0.000085%; no homozygotes.

Submission:

Labcorp Genetics (formerly Invitae), Labcorp
Classification: Uncertain significance for Microcephaly, normal intelligence and immunodeficiency. Last evaluated: 2022-11-22. Review status: criteria provided, single submitter. Criteria: Invitae Variant Classification Sherloc (09022015). Collection method: clinical testing. Allele origin: germline.
Comment: Algorithms developed to predict the effect of missense changes on protein structure and function (SIFT, PolyPhen-2, Align-GVGD) all suggest that this variant is likely to be tolerated. This sequence change replaces threonine, which is neutral and polar, with isoleucine, which is neutral and non-polar, at codon 362 of the NBN protein (p.Thr362Ile). This variant is not present in population databases (gnomAD no frequency). This variant has not been reported in the literature in individuals affected with NBN-related conditions. In summary, the available evidence is currently insufficient to determine the role of this variant in disease. Therefore, it has been classified as a Variant of Uncertain Significance.

NM_002485.5(NBN):c.1085C>T (p.Thr362Ile)

Gene: NBN (nibrin; minus strand). Cytogenetic location: 8q21.3.
Variant type: single nucleotide variant.
Coding change: c.1085C>T on transcript NM_002485.5 (MANE Select); coding-DNA position 1085, C replaced by T.
Protein change: p.Thr362Ile; replaces threonine 362 with isoleucine.
Molecular consequence: missense variant.
Genome position (GRCh38, 1-based): chr8:89,958,764, G>A on the plus strand (C>T on the coding strand, the complement: NBN is on the minus strand). VCF-style: chr8-89958764-G-A. GRCh37 (hg19) VCF-style: chr8-90970992-G-A.
Other names: c.839C>T, p.Thr280Ile (NM_001024688.3); short protein forms T362I, T280I.
Identifiers: ClinVar variation 2804184 (VCV002804184.3), dbSNP rs2488260347, ClinGen allele CA371656641.
Genomic context (GRCh38, chr8:89,958,764, plus strand): 5'-ACGGTAATGAAGAAGCTTTACCATGTATCTGCTTGCTCTGATTCTGTGTCAGCTACGTAT[G>A]TTGTAGTGTTCACTGGGGCGCTTGGCATTAGTTTTTCATCAACTGACACGCCTTGTGAAA-3'
Protein context (NP_002476.2, residues 352-372): LMPSAPVNTT[Thr362Ile]YVADTESEQA